The following is an entry in ClinVar:

ClinVar aggregate classification (germline): Uncertain significance. Review status: criteria provided, multiple submitters, no conflicts (2 of 4 stars). 2 submissions from 2 submitters: Uncertain significance (2). Last evaluated 2026-08-16.

Conditions:
POLD1-related polyposis and colorectal cancer syndrome (CRCS10). Also called: Colorectal cancer 10; COLORECTAL CANCER, SUSCEPTIBILITY TO, ON CHROMOSOME 19q; Colorectal cancer, susceptibility to, 10. Identifiers: Orphanet 220460, MedGen C2675481, MONDO:0012953, OMIM 612591.
Hereditary cancer-predisposing syndrome. Also called: Neoplastic Syndromes, Hereditary; Hereditary Cancer Syndrome; Hereditary neoplastic syndrome; Tumor predisposition. Identifiers: Orphanet 140162, MedGen C0027672, MeSH D009386, MONDO:0015356.

Submissions (2):

Ambry Genetics
Classification: Uncertain significance for Hereditary cancer-predisposing syndrome. Last evaluated: 2026-08-16. Review status: criteria provided, single submitter. Criteria: Ambry Variant Classification Scheme 2023. Collection method: clinical testing. Allele origin: germline.
Comment: The p.T91R variant (also known as c.272C>G), located in coding exon 2 of the POLD1 gene, results from a C to G substitution at nucleotide position 272. The threonine at codon 91 is replaced by arginine, an amino acid with similar properties. This amino acid position is conserved. In addition, this alteration is predicted to be tolerated by in silico analysis. Based on the available evidence, the clinical significance of this variant remains unclear.

Labcorp Genetics (formerly Invitae), Labcorp
Classification: Uncertain significance for POLD1-related polyposis and colorectal cancer syndrome. Last evaluated: 2022-06-06. Review status: criteria provided, single submitter. Criteria: Invitae Variant Classification Sherloc (09022015). Collection method: clinical testing. Allele origin: germline.
Comment: In summary, the available evidence is currently insufficient to determine the role of this variant in disease. Therefore, it has been classified as a Variant of Uncertain Significance. Algorithms developed to predict the effect of missense changes on protein structure and function (SIFT, PolyPhen-2, Align-GVGD) all suggest that this variant is likely to be tolerated. ClinVar contains an entry for this variant (Variation ID: 643243). This variant has not been reported in the literature in individuals affected with POLD1-related conditions. This variant is not present in population databases (gnomAD no frequency). This sequence change replaces threonine, which is neutral and polar, with arginine, which is basic and polar, at codon 91 of the POLD1 protein (p.Thr91Arg).

NM_002691.4(POLD1):c.272C>G (p.Thr91Arg)

Gene: POLD1 (DNA polymerase delta 1, catalytic subunit; plus strand). Cytogenetic location: 19q13.33.
Variant type: single nucleotide variant.
Coding change: c.272C>G on transcript NM_002691.4 (MANE Select); coding-DNA position 272, C replaced by G.
Protein change: p.Thr91Arg; replaces threonine 91 with arginine.
Molecular consequence: missense variant. On other transcripts: non-coding transcript variant (1).
Genome position (GRCh38, 1-based): chr19:50,399,440, C>G. VCF-style: chr19-50399440-C-G. GRCh37 (hg19) VCF-style: chr19-50902697-C-G.
Other names: c.272C>G, p.Thr91Arg (NM_001256849.1, NM_001308632.1); c.272C>G (NM_002691.2); short protein forms T91R.
Identifiers: ClinVar variation 643243 (VCV000643243.9), dbSNP rs1601190794, ClinGen allele CA406970541.